The following is an entry in ClinVar:

NM_004370.6(COL12A1):c.1372A>C (p.Lys458Gln)

Gene: COL12A1 (collagen type XII alpha 1 chain; minus strand). Cytogenetic location: 6q13.
Variant type: single nucleotide variant.
Coding change: c.1372A>C on transcript NM_004370.6 (MANE Select); coding-DNA position 1372, A replaced by C.
Protein change: p.Lys458Gln; replaces lysine 458 with glutamine.
Molecular consequence: missense variant. On other transcripts: intron variant (1).
Genome position (GRCh38, 1-based): chr6:75,183,569, T>G on the plus strand (A>C on the coding strand, the complement: COL12A1 is on the minus strand). VCF-style: chr6-75183569-T-G. GRCh37 (hg19) VCF-style: chr6-75893285-T-G.
Other names: c.73+19151A>C (NM_080645.3); short protein forms K458Q.
Identifiers: ClinVar variation 1718138 (VCV001718138.6), dbSNP rs1392226059, ClinGen allele CA364771440.

ClinVar aggregate classification (germline): Uncertain significance (1 of 4 stars; one submission).

Conditions:
Ullrich congenital muscular dystrophy 2 (UCMD2). Identifiers: Orphanet 75840, MedGen C4225314, MONDO:0014654, OMIM 616470.
Bethlem myopathy 2 (BTHLM2). Identifiers: Orphanet 536516, Orphanet 610, MedGen C4225313, MONDO:0034022, OMIM 616471.

Submission:

Labcorp Genetics (formerly Invitae), Labcorp
Classification: Uncertain significance for Bethlem myopathy 2; Ullrich congenital muscular dystrophy 2. Last evaluated: 2022-08-27. Review status: criteria provided, single submitter. Criteria: Invitae Variant Classification Sherloc (09022015). Collection method: clinical testing. Allele origin: germline.
Comment: This sequence change replaces lysine, which is basic and polar, with glutamine, which is neutral and polar, at codon 458 of the COL12A1 protein (p.Lys458Gln). This variant is not present in population databases (gnomAD no frequency). This variant has not been reported in the literature in individuals affected with COL12A1-related conditions. Algorithms developed to predict the effect of missense changes on protein structure and function are either unavailable or do not agree on the potential impact of this missense change (SIFT: "Deleterious"; PolyPhen-2: "Probably Damaging"; Align-GVGD: "Class C0"). In summary, the available evidence is currently insufficient to determine the role of this variant in disease. Therefore, it has been classified as a Variant of Uncertain Significance.